The following is an entry in ClinVar:

ClinVar aggregate classification (germline): Uncertain significance (1 of 4 stars; one submission).

Submission:

Labcorp Genetics (formerly Invitae), Labcorp
Classification: Uncertain significance. Last evaluated: 2022-08-01. Review status: criteria provided, single submitter. Criteria: Invitae Variant Classification Sherloc (09022015). Collection method: clinical testing. Allele origin: germline.
Comment: This sequence change replaces proline, which is neutral and non-polar, with serine, which is neutral and polar, at codon 102 of the C1QTNF5 protein (p.Pro102Ser). This variant is present in population databases (no rsID available, gnomAD 0.001%). This variant has not been reported in the literature in individuals affected with C1QTNF5-related conditions. Algorithms developed to predict the effect of missense changes on protein structure and function (SIFT, PolyPhen-2, Align-GVGD) all suggest that this variant is likely to be disruptive. In summary, the available evidence is currently insufficient to determine the role of this variant in disease. Therefore, it has been classified as a Variant of Uncertain Significance.

NM_001278431.2(C1QTNF5):c.304C>T (p.Pro102Ser)

Genes: C1QTNF5 (C1q and TNF related 5; minus strand), MFRP (membrane frizzled-related protein; minus strand). Cytogenetic location: 11q23.3.
Variant type: single nucleotide variant.
Coding change: c.304C>T on transcript NM_001278431.2 (MANE Select); coding-DNA position 304, C replaced by T.
Protein change: p.Pro102Ser; replaces proline 102 with serine.
Molecular consequence: missense variant. On other transcripts: 3 prime UTR variant (1).
Genome position (GRCh38, 1-based): chr11:119,339,759, G>A on the plus strand (C>T on the coding strand, the complement: C1QTNF5 is on the minus strand). VCF-style: chr11-119339759-G-A. GRCh37 (hg19) VCF-style: chr11-119210469-G-A.
Other names: c.304C>T, p.Pro102Ser (NM_015645.5); c.*1200C>T (NM_031433.4); short protein forms P102S.
Identifiers: ClinVar variation 1945957 (VCV001945957.5), dbSNP rs1316657035, ClinGen allele CA382969911.